The following is an entry in ClinVar:

ClinVar aggregate classification (germline): Uncertain significance (1 of 4 stars; one submission).

Conditions:
Inborn genetic diseases. Identifiers: MedGen C0950123, MeSH D030342.

gnomAD v4.1: 2 of 1,614,040 alleles (0.00012%); highest among the groups gnomAD compares: Non-Finnish European, 0.00017%; no homozygotes.

Submission:

Ambry Genetics
Classification: Uncertain significance for Inborn genetic diseases. Last evaluated: 2026-03-28. Review status: criteria provided, single submitter. Criteria: Ambry Variant Classification Scheme 2023. Collection method: clinical testing. Allele origin: germline.
Comment: The p.H464P variant (also known as c.1391A>C), located in coding exon 1 of the SAMD9 gene, results from an A to C substitution at nucleotide position 1391. The histidine at codon 464 is replaced by proline, an amino acid with similar properties. This amino acid position is conserved. In addition, the in silico prediction for this alteration is inconclusive. Based on the available evidence, the clinical significance of this variant remains unclear.

NM_017654.4(SAMD9):c.1391A>C (p.His464Pro)

Gene: SAMD9 (sterile alpha motif domain containing 9; minus strand). Cytogenetic location: 7q21.2.
Variant type: single nucleotide variant.
Coding change: c.1391A>C on transcript NM_017654.4 (MANE Select); coding-DNA position 1391, A replaced by C.
Protein change: p.His464Pro; replaces histidine 464 with proline.
Molecular consequence: missense variant.
Genome position (GRCh38, 1-based): chr7:93,104,707, T>G on the plus strand (A>C on the coding strand, the complement: SAMD9 is on the minus strand). VCF-style: chr7-93104707-T-G. GRCh37 (hg19) VCF-style: chr7-92734020-T-G.
Other names: c.1391A>C, p.His464Pro (NM_001193307.2); short protein forms H464P.
Identifiers: ClinVar variation 4863777 (VCV004863777.1).